The following is an entry in ClinVar:

NM_006231.4(POLE):c.5525A>T (p.His1842Leu)

Gene: POLE (DNA polymerase epsilon, catalytic subunit; minus strand). Cytogenetic location: 12q24.33.
Variant type: single nucleotide variant.
Coding change: c.5525A>T on transcript NM_006231.4 (MANE Select); coding-DNA position 5525, A replaced by T.
Protein change: p.His1842Leu; replaces histidine 1842 with leucine.
Molecular consequence: missense variant.
Genome position (GRCh38, 1-based): chr12:132,639,152, T>A on the plus strand (A>T on the coding strand, the complement: POLE is on the minus strand). VCF-style: chr12-132639152-T-A. GRCh37 (hg19) VCF-style: chr12-133215738-T-A.
Other names: short protein forms H1842L.
Identifiers: ClinVar variation 2562929 (VCV002562929.3), dbSNP rs1060500795, ClinGen allele CA387374589.
Genomic context (GRCh38, chr12:132,639,152, plus strand): 5'-GCGGTGGACAGCCCAGGGAGGAGGAGCACTCACTGCAGGAAGAGCTTCTTCATCATGTTG[T>A]GGAGTGTGCGGTGCAGGGCAGGGTCATGAAGCAGAGAGGATGGCGACCGAAGCCAGCGGT-3'
Protein context (NP_006222.2, residues 1832-1852): LHDPALHRTL[His1842Leu]NMMKKLFLQL

ClinVar aggregate classification (germline): Uncertain significance (1 of 4 stars; one submission).

Conditions:
Hereditary cancer-predisposing syndrome. Also called: Neoplastic Syndromes, Hereditary; Hereditary Cancer Syndrome; Hereditary neoplastic syndrome; Tumor predisposition. Identifiers: Orphanet 140162, MedGen C0027672, MeSH D009386, MONDO:0015356.

Submission:

Ambry Genetics
Classification: Uncertain significance for Hereditary cancer-predisposing syndrome. Last evaluated: 2025-11-09. Review status: criteria provided, single submitter. Criteria: Ambry Variant Classification Scheme 2023. Collection method: clinical testing. Allele origin: germline.
Comment: The p.H1842L variant (also known as c.5525A>T), located in coding exon 40 of the POLE gene, results from an A to T substitution at nucleotide position 5525. The histidine at codon 1842 is replaced by leucine, an amino acid with similar properties. This amino acid position is conserved. In addition, this alteration is predicted to be tolerated by in silico analysis. Since supporting evidence is limited at this time, the clinical significance of this alteration remains unclear.